The following is an entry in ClinVar:

NM_001267550.2(TTN):c.86811A>G (p.Val28937=)

Genes: TTN (titin; minus strand), TTN-AS1 (TTN antisense RNA 1; plus strand). Cytogenetic location: 2q31.2.
Variant type: single nucleotide variant.
Coding change: c.86811A>G on transcript NM_001267550.2 (MANE Select); coding-DNA position 86811, A replaced by G.
Protein change: p.Val28937=; no amino-acid change (valine 28937 retained).
Molecular consequence: synonymous variant.
Genome position (GRCh38, 1-based): chr2:178,559,321, T>C on the plus strand (A>G on the coding strand, the complement: TTN is on the minus strand). VCF-style: chr2-178559321-T-C. GRCh37 (hg19) VCF-style: chr2-179424048-T-C.
Other names: p.V26369V:GTA>GTG; p.Val26369=; c.81888A>G, p.Val27296= (NM_001256850.1); c.59616A>G, p.Val19872= (NM_003319.4); c.79107A>G, p.Val26369= (NM_133378.4); c.59991A>G, p.Val19997= (NM_133432.3); c.60192A>G, p.Val20064= (NM_133437.4).
Identifiers: ClinVar variation 47457 (VCV000047457.54), dbSNP rs55972010, ClinGen allele CA283970.

ClinVar aggregate classification (germline): Benign/Likely benign. Review status: criteria provided, multiple submitters, no conflicts (2 of 4 stars). 27 submissions from 20 submitters: Benign (17); Likely benign (3). 7 of the submissions do not count toward it. Last evaluated 2026-02-04.

Conditions:
Cardiovascular phenotype. Identifiers: MedGen CN230736.
Dilated cardiomyopathy 1G (CMD1G). Identifiers: Orphanet 154, MedGen C1858763, MONDO:0011400, OMIM 604145.
Autosomal recessive limb-girdle muscular dystrophy type 2J (LGMDR10). Also called: MUSCULAR DYSTROPHY, LIMB-GIRDLE, AUTOSOMAL RECESSIVE 10; Limb-girdle muscular dystrophy, type 2J. Identifiers: Orphanet 140922, MedGen C1837342, MONDO:0012127, OMIM 608807.
Early-onset myopathy with fatal cardiomyopathy (CMYO5). Also called: CONGENITAL MYOPATHY 5 WITH CARDIOMYOPATHY; Salih Myopathy. Identifiers: Orphanet 289377, MedGen C2673677, MONDO:0012714, OMIM 611705. Disease mechanism: loss of function.
Myopathy, myofibrillar, 9, with early respiratory failure (MFM9). Also called: Myopathy, distal, with early respiratory failure, autosomal dominant; Hereditary myopathy with early respiratory failure; MYOPATHY, PROXIMAL, WITH EARLY RESPIRATORY MUSCLE INVOLVEMENT; EDSTROM MYOPATHY. Identifiers: Orphanet 178464, Orphanet 34521, MedGen C1863599, MONDO:0011362, OMIM 603689.
Tibial muscular dystrophy (TMD). Also called: Udd Distal Myopathy – Tibial Muscular Dystrophy; Tibial muscular dystrophy, tardive; UDD MYOPATHY. Identifiers: Orphanet 609, MedGen C1838244, MONDO:0010870, OMIM 600334.

Allele frequency attached by ClinVar (database versions not stated): 1000 Genomes Project 30x 0.01499; gnomAD 0.02018 and 0.02012; gnomAD exomes 0.02850 and 0.02284; 1000 Genomes Project 0.01617; TOPMed 0.01818; ExAC 0.02430; ESP Exome Variant Server 0.02387.
gnomAD v4.1: 43,859 of 1,589,816 alleles (2.8%); highest among the groups gnomAD compares: Non-Finnish European, 3.1%; 703 homozygotes.

Submissions (27):

Labcorp Genetics (formerly Invitae), Labcorp
Classification: Benign for Dilated cardiomyopathy 1G; Autosomal recessive limb-girdle muscular dystrophy type 2J. Last evaluated: 2026-02-04. Review status: criteria provided, single submitter. Criteria: Invitae Variant Classification Sherloc (09022015). Collection method: clinical testing. Allele origin: germline.

ARUP Laboratories, Molecular Genetics and Genomics, ARUP Laboratories
Classification: Benign. Last evaluated: 2025-06-05. Review status: criteria provided, single submitter. Criteria: ARUP Molecular Germline Variant Investigation Process 2024. Collection method: clinical testing. Allele origin: germline.

Molecular Diagnostic Laboratory for Inherited Cardiovascular Disease, Montreal Heart Institute
Classification: Benign. Last evaluated: 2025-04-09. Review status: criteria provided, single submitter. Criteria: ACMG Guidelines, 2015. Collection method: clinical testing. Allele origin: germline. Affected: no.

Blueprint Genetics
Classification: Benign. Last evaluated: 2024-11-26. Review status: criteria provided, single submitter. Criteria: ACMG Guidelines, 2015. Collection method: clinical testing. Allele origin: germline.

Genome-Nilou Lab
Classification: Benign for Autosomal recessive limb-girdle muscular dystrophy type 2J. Last evaluated: 2021-09-10. Review status: criteria provided, single submitter. Criteria: ACMG Guidelines, 2015. Collection method: clinical testing. Allele origin: germline. Affected: no.

Genome-Nilou Lab
Classification: Benign for Myopathy, myofibrillar, 9, with early respiratory failure. Last evaluated: 2021-09-10. Review status: criteria provided, single submitter. Criteria: ACMG Guidelines, 2015. Collection method: clinical testing. Allele origin: germline. Affected: no.

Genome-Nilou Lab
Classification: Benign for Early-onset myopathy with fatal cardiomyopathy. Last evaluated: 2021-09-10. Review status: criteria provided, single submitter. Criteria: ACMG Guidelines, 2015. Collection method: clinical testing. Allele origin: germline. Affected: no.

Genome-Nilou Lab
Classification: Benign for Tibial muscular dystrophy. Last evaluated: 2021-09-10. Review status: criteria provided, single submitter. Criteria: ACMG Guidelines, 2015. Collection method: clinical testing. Allele origin: germline. Affected: no.

Women's Health and Genetics/Laboratory Corporation of America, LabCorp
Classification: Benign. Last evaluated: 2019-09-14. Review status: criteria provided, single submitter. Criteria: LabCorp Variant Classification Summary - May 2015. Collection method: clinical testing. Allele origin: germline.

Illumina Laboratory Services, Illumina
Classification: Likely benign for Autosomal recessive limb-girdle muscular dystrophy type 2J. Last evaluated: 2018-01-13. Review status: criteria provided, single submitter. Criteria: ICSL Variant Classification Criteria 13 December 2019. Collection method: clinical testing. Allele origin: germline.
Comment: This variant was observed in the ICSL laboratory as part of a predisposition screen in an ostensibly healthy population. It had not been previously curated by ICSL or reported in the Human Gene Mutation Database (HGMD: prior to June 1st, 2018), and was therefore a candidate for classification through an automated scoring system. Utilizing variant allele frequency, disease prevalence and penetrance estimates, and inheritance mode, an automated score was calculated to assess if this variant is too frequent to cause the disease. Based on the score and internal cut-off values, a variant classified as likely benign is not then subjected to further curation. The score for this variant resulted in a classification of likely benign for this disease.

Illumina Laboratory Services, Illumina
Classification: Benign for Early-onset myopathy with fatal cardiomyopathy. Last evaluated: 2018-01-13. Review status: criteria provided, single submitter. Criteria: ICSL Variant Classification Criteria 13 December 2019. Collection method: clinical testing. Allele origin: germline.
Comment: This variant was observed in the ICSL laboratory as part of a predisposition screen in an ostensibly healthy population. It had not been previously curated by ICSL or reported in the Human Gene Mutation Database (HGMD: prior to June 1st, 2018), and was therefore a candidate for classification through an automated scoring system. Utilizing variant allele frequency, disease prevalence and penetrance estimates, and inheritance mode, an automated score was calculated to assess if this variant is too frequent to cause the disease. Based on the score and internal cut-off values, a variant classified as benign is not then subjected to further curation. The score for this variant resulted in a classification of benign for this disease.

Illumina Laboratory Services, Illumina
Classification: Likely benign for Dilated cardiomyopathy 1G. Last evaluated: 2018-01-13. Review status: criteria provided, single submitter. Criteria: ICSL Variant Classification Criteria 13 December 2019. Collection method: clinical testing. Allele origin: germline.
Comment: the same text as in the submission from Illumina Laboratory Services, Illumina above.

Illumina Laboratory Services, Illumina
Classification: Benign for Tibial muscular dystrophy. Last evaluated: 2018-01-13. Review status: criteria provided, single submitter. Criteria: ICSL Variant Classification Criteria 13 December 2019. Collection method: clinical testing. Allele origin: germline.
Comment: the same text as in the submission from Illumina Laboratory Services, Illumina above.

Illumina Laboratory Services, Illumina
Classification: Benign for Myopathy, myofibrillar, 9, with early respiratory failure. Last evaluated: 2018-01-13. Review status: criteria provided, single submitter. Criteria: ICSL Variant Classification Criteria 13 December 2019. Collection method: clinical testing. Allele origin: germline.
Comment: the same text as in the submission from Illumina Laboratory Services, Illumina above.

Mayo Clinic Laboratories, Mayo Clinic
Classification: Benign. Last evaluated: 2017-12-05. Review status: criteria provided, single submitter. Criteria: ACMG Guidelines, 2015. Collection method: clinical testing. Allele origin: germline. Observed: 108 variant alleles.

Laboratory for Molecular Medicine, Mass General Brigham Personalized Medicine
Classification: Benign. Last evaluated: 2015-11-09. Review status: criteria provided, single submitter. Criteria: LMM Criteria. Collection method: clinical testing. Allele origin: germline. Observed: 95 variant alleles.
Comment: p.Val26369Val in exon 275 of TTN: This variant is not expected to have clinical significance because it does not alter an amino acid residue and is not located within the splice consensus sequence. It has been identified in 3.3% (411/12332) of South Asian chromosomes, including 7 homozygotes by the Exome Aggregation Co nsortium (ExAC; dbSNP rs55972010).

GeneDx
Classification: Benign. Last evaluated: 2012-11-01. Review status: criteria provided, single submitter. Criteria: GeneDx Variant Classification (06012015). Collection method: clinical testing. Allele origin: germline. Affected: yes.
Comment: This variant is considered likely benign or benign based on one or more of the following criteria: it is a conservative change, it occurs at a poorly conserved position in the protein, it is predicted to be benign by multiple in silico algorithms, and/or has population frequency not consistent with disease.

Ambry Genetics
Classification: Benign for Cardiovascular phenotype. Last evaluated: 2012-10-03. Review status: criteria provided, single submitter. Criteria: Ambry Autosomal Dominant and X-Linked criteria (10/2015). Collection method: clinical testing. Allele origin: germline. Observed: 1 variant allele.

Breakthrough Genomics
Classification: Likely benign. Review status: criteria provided, single submitter. Criteria: ACMG Guidelines, 2015. Collection method: not provided. Allele origin: germline. Inheritance: Autosomal recessive inheritance. Affected: yes.

PreventionGenetics, part of Exact Sciences
Classification: Benign. Review status: criteria provided, single submitter. Criteria: ACMG Guidelines, 2015. Collection method: clinical testing. Allele origin: germline.

Clinical Genetics DNA and cytogenetics Diagnostics Lab, Erasmus MC, Erasmus Medical Center
Classification: Benign. Review status: no assertion criteria provided. Collection method: clinical testing. Allele origin: germline. Affected: yes. Study: VKGL Data-share Consensus. Not counted in ClinVar's aggregate classification.

Clinical Genetics, Academic Medical Center
Classification: Benign. Review status: no assertion criteria provided. Collection method: clinical testing. Allele origin: germline. Affected: yes. Study: VKGL Data-share Consensus. Not counted in ClinVar's aggregate classification.

Diagnostic Laboratory, Department of Genetics, University Medical Center Groningen
Classification: Likely benign. Review status: no assertion criteria provided. Collection method: clinical testing. Allele origin: germline. Affected: yes. Study: VKGL Data-share Consensus. Not counted in ClinVar's aggregate classification.

Genetic Services Laboratory, University of Chicago
Classification: Likely benign for AllHighlyPenetrant. Review status: no assertion criteria provided. Collection method: clinical testing. Allele origin: germline. Not counted in ClinVar's aggregate classification.
Comment: Likely benign based on allele frequency in 1000 Genomes Project or ESP global frequency and its presence in a patient with a rare or unrelated disease phenotype. NOT Sanger confirmed.

Genome Diagnostics Laboratory, University Medical Center Utrecht
Classification: Benign. Review status: no assertion criteria provided. Collection method: clinical testing. Allele origin: germline. Affected: yes. Study: VKGL Data-share Consensus. Not counted in ClinVar's aggregate classification.

Joint Genome Diagnostic Labs from Nijmegen and Maastricht, Radboudumc and MUMC+
Classification: Benign. Review status: no assertion criteria provided. Collection method: clinical testing. Allele origin: germline. Affected: yes. Study: VKGL Data-share Consensus. Not counted in ClinVar's aggregate classification.

Laboratory of Diagnostic Genome Analysis, Leiden University Medical Center (LUMC)
Classification: Benign. Review status: no assertion criteria provided. Collection method: clinical testing. Allele origin: germline. Affected: yes. Study: VKGL Data-share Consensus. Not counted in ClinVar's aggregate classification.